The following is an entry in ClinVar:

NM_001005273.3(CHD3):c.2094T>G (p.Tyr698Ter)

Gene: CHD3 (chromodomain helicase DNA binding protein 3; plus strand). Cytogenetic location: 17p13.1.
Variant type: single nucleotide variant.
Coding change: c.2094T>G on transcript NM_001005273.3 (MANE Select); coding-DNA position 2094, T replaced by G.
Protein change: p.Tyr698Ter; replaces tyrosine 698 with a stop codon.
Molecular consequence: nonsense.
Genome position (GRCh38, 1-based): chr17:7,898,538, T>G. VCF-style: chr17-7898538-T-G. GRCh37 (hg19) VCF-style: chr17-7801856-T-G.
Other names: c.2271T>G, p.Tyr757Ter (NM_001005271.3, NM_001437504.1); c.2259T>G, p.Tyr753Ter (NM_001437507.1, NM_001437508.1, NM_001437509.1); c.2094T>G, p.Tyr698Ter (NM_005852.4); short protein forms Y698*, Y753*, Y757*.
Identifiers: ClinVar variation 4614562 (VCV004614562.1).

ClinVar aggregate classification (germline): Pathogenic (1 of 4 stars; one submission).

Conditions:
Inborn genetic diseases. Identifiers: MedGen C0950123, MeSH D030342.

Submission:

Ambry Genetics
Classification: Pathogenic for Inborn genetic diseases. Last evaluated: 2025-12-09. Review status: criteria provided, single submitter. Criteria: Ambry Variant Classification Scheme 2023. Collection method: clinical testing. Allele origin: germline.
Comment: The c.2271T>G (p.Y757*) alteration, located in exon 13 (coding exon 13) of the CHD3 gene, consists of a T to G substitution at nucleotide position 2271. This changes the amino acid from a tyrosine (Y) to a stop codon at amino acid position 757. This alteration is expected to result in loss of function by premature protein truncation or nonsense-mediated mRNA decay. This variant was not reported in population-based cohorts in the Genome Aggregation Database (gnomAD). Based on the available evidence, this alteration is classified as pathogenic.